The following is an entry in ClinVar:

ClinVar aggregate classification (germline): Likely benign. Review status: criteria provided, multiple submitters, no conflicts (2 of 4 stars). 2 submissions from 2 submitters: Likely benign (2). Last evaluated 2026-03-01.

Conditions:
Inborn genetic diseases. Identifiers: MedGen C0950123, MeSH D030342.

Allele frequency attached by ClinVar (database versions not stated): ExAC 0.00004; gnomAD 0.00005; gnomAD exomes 0.00005; TOPMed 0.00006.
gnomAD v4.1: 87 of 1,608,920 alleles (0.0054%); highest among the groups gnomAD compares: Middle Eastern, 0.28%; 2 homozygotes.

Submissions (2):

CeGaT Center for Human Genetics Tuebingen
Classification: Likely benign. Last evaluated: 2026-03-01. Review status: criteria provided, single submitter. Criteria: CeGaT Center For Human Genetics Tuebingen Variant Classification Criteria Version 2. Collection method: clinical testing. Allele origin: germline. Affected: yes. Observed: 2 variant alleles.
Comment: NR4A2: PP3, BS2

Ambry Genetics
Classification: Likely benign for Inborn genetic diseases. Last evaluated: 2022-06-17. Review status: criteria provided, single submitter. Criteria: Ambry Variant Classification Scheme 2023. Collection method: clinical testing. Allele origin: germline.

NM_006186.4(NR4A2):c.755C>A (p.Pro252Gln)

Gene: NR4A2 (nuclear receptor subfamily 4 group A member 2; minus strand). Cytogenetic location: 2q24.1.
Variant type: single nucleotide variant.
Coding change: c.755C>A on transcript NM_006186.4 (MANE Select); coding-DNA position 755, C replaced by A.
Protein change: p.Pro252Gln; replaces proline 252 with glutamine.
Molecular consequence: missense variant.
Genome position (GRCh38, 1-based): chr2:156,329,432, G>T on the plus strand (C>A on the coding strand, the complement: NR4A2 is on the minus strand). VCF-style: chr2-156329432-G-T. GRCh37 (hg19) VCF-style: chr2-157185944-G-T.
Other names: c.566C>A, p.Pro189Gln (NM_173173.3); short protein forms P252Q, P189Q.
Identifiers: ClinVar variation 2377115 (VCV002377115.9), dbSNP rs148826679, ClinGen allele CA1916385.
Genomic context (GRCh38, chr2:156,329,432, plus strand): 5'-CAGGCCGCGTTGTCCCCACACACAGCGCACAGCCCCTCGTTGGAGGGGGAGCCCCGCGAC[G>T]GCGGTGAGGGCACCTGCGTGTCGAGCAGCTGAGACGCGTGGCCGATCTGCAGGCCCGGGA-3'
Protein context (NP_006177.1, residues 242-262): QLLDTQVPSP[Pro252Gln]SRGSPSNEGL